The following is an entry in ClinVar:

ClinVar aggregate classification (germline): Uncertain significance (1 of 4 stars; one submission).

Conditions:
Bethlem myopathy 1A. Also called: MYOPATHY, BENIGN CONGENITAL, WITH CONTRACTURES; Bethlem Muscular Dystrophy; Bethlem myopathy 1. Identifiers: Orphanet 610, MedGen CN029274, MONDO:0024530, OMIM 158810.

Allele frequency attached by ClinVar (database versions not stated): TOPMed 0.00001; ESP Exome Variant Server 0.00008.
gnomAD v4.1: 34 of 1,614,026 alleles (0.0021%); highest among the groups gnomAD compares: Non-Finnish European, 0.0029%; no homozygotes.

Submission:

Labcorp Genetics (formerly Invitae), Labcorp
Classification: Uncertain significance for Bethlem myopathy 1A. Last evaluated: 2022-03-18. Review status: criteria provided, single submitter. Criteria: Invitae Variant Classification Sherloc (09022015). Collection method: clinical testing. Allele origin: germline.
Comment: This sequence change replaces alanine, which is neutral and non-polar, with serine, which is neutral and polar, at codon 1094 of the COL6A3 protein (p.Ala1094Ser). This variant is not present in population databases (gnomAD no frequency). This variant has not been reported in the literature in individuals affected with COL6A3-related conditions. ClinVar contains an entry for this variant (Variation ID: 843458). Advanced modeling of protein sequence and biophysical properties (such as structural, functional, and spatial information, amino acid conservation, physicochemical variation, residue mobility, and thermodynamic stability) performed at Invitae indicates that this missense variant is not expected to disrupt COL6A3 protein function. In summary, the available evidence is currently insufficient to determine the role of this variant in disease. Therefore, it has been classified as a Variant of Uncertain Significance.

NM_004369.4(COL6A3):c.3280G>T (p.Ala1094Ser)

Gene: COL6A3 (collagen type VI alpha 3 chain; minus strand). Cytogenetic location: 2q37.3.
Variant type: single nucleotide variant.
Coding change: c.3280G>T on transcript NM_004369.4 (MANE Select); coding-DNA position 3280, G replaced by T.
Protein change: p.Ala1094Ser; replaces alanine 1094 with serine.
Molecular consequence: missense variant.
Genome position (GRCh38, 1-based): chr2:237,374,811, C>A on the plus strand (G>T on the coding strand, the complement: COL6A3 is on the minus strand). VCF-style: chr2-237374811-C-A. GRCh37 (hg19) VCF-style: chr2-238283454-C-A.
Other names: c.2059G>T, p.Ala687Ser (NM_057164.5); c.2662G>T, p.Ala888Ser (NM_057165.5, NM_057167.4); c.1459G>T, p.Ala487Ser (NM_057166.5); short protein forms A1094S, A487S, A687S, A888S.
Identifiers: ClinVar variation 843458 (VCV000843458.10), dbSNP rs369460632, ClinGen allele CA2189200.
Genomic context (GRCh38, chr2:237,374,811, plus strand): 5'-ACTCCAGGGCGGCCCCGGTGTTGGGGGTCGGCCCTCCCAGCAGGGTCAGCTGGCGGACAG[C>A]GTTGACGACGTCCTGCTTGTTCATGTATGAATTCAGGTAGAACTCGGGCCTGGTCCGGTC-3'
Protein context (NP_004360.2, residues 1084-1104): SYMNKQDVVN[Ala1094Ser]VRQLTLLGGP